The following is an entry in ClinVar:

ClinVar aggregate classification (germline): Uncertain significance. Review status: criteria provided, multiple submitters, no conflicts (2 of 4 stars). 5 submissions from 5 submitters: Uncertain significance (5). Last evaluated 2026-08-06.

Conditions:
Loeys-Dietz syndrome 2 (LDS2). Also called: AORTIC ANEURYSM, FAMILIAL THORACIC 3; MARFAN SYNDROME, TYPE II; Marfan syndrome, type 2 (formerly); TGFBR2-Related Loeys-Dietz Syndrome; Marfan Syndrome type 2; Marfan like connective tissue disorder. Identifiers: Orphanet 284973, Orphanet 558, MedGen C2674574, MONDO:0012427, OMIM 610168.
Familial thoracic aortic aneurysm and aortic dissection (TAAD). Also called: Thoracic aortic aneurysms and dissections. Identifiers: Orphanet 91387, MedGen C4707243, MONDO:0019625.

Allele frequency attached by ClinVar (database versions not stated): gnomAD exomes below 0.00001 and 0.00001; ExAC 0.00001; gnomAD 0.00001; TOPMed 0.00002.
gnomAD v4.1: 10 of 1,614,088 alleles (0.00062%); highest among the groups gnomAD compares: Non-Finnish European, 0.00085%; no homozygotes.

Submissions (5):

OLLIN Analises Genomicas, OLLIN
Classification: Uncertain significance for Loeys-Dietz syndrome 2. Last evaluated: 2026-08-06. Review status: criteria provided, single submitter. Criteria: ACMG Guidelines 2015 PMID 25741868. Collection method: clinical testing. Allele origin: germline.
Comment: This missense variant, located in exon 4 (of 7), has been reported in ClinVar (accession VCV000979099.7) and in gnomAD with an allele frequency of 0.00062%. However, to our knowledge, it has not been reported in the scientific literature. In silico analysis predicts that this variant has a deleterious effect. This gene is constrained for missense variation. According to the currently available evidence, this variant has been classified as uncertain significance (PP2, PP3_S).

Victorian Clinical Genetics Services, Murdoch Childrens Research Institute
Classification: Uncertain significance for Loeys-Dietz syndrome 2. Last evaluated: 2026-01-11. Review status: criteria provided, single submitter. Criteria: ACMG Guidelines, 2015. Collection method: clinical testing. Allele origin: germline. Affected: yes.
Comment: This variant is classified as VUS-3B. Evidence in support of pathogenic classification: Variant is present in gnomAD <0.001 for a dominant condition (v4: 10 heterozygote(s), 0 homozygote(s)); Missense variant predicted to be damaging by in silico tool(s) or highly conserved with a major amino acid change. Additional information: Variant is predicted to result in a missense amino acid change from Phe to Leu; This variant is heterozygous; This gene is associated with autosomal dominant disease; Alternative amino acid change(s) at the same position are present in gnomAD (v4: 1 heterozygote(s), 0 homozygote(s)); Previous evidence of pathogenicity for this variant is inconclusive. This variant has been classified as a VUS by clinical laboratories in ClinVar. Additionally, it has been reported in an individual with intellectual disability and a marfanoid habitus, however it was inherited from an asymptomatic father, and a large de novo CNV on chromosome 2 was instead considered diagnostic (PMID: 23506379); No published functional evidence has been identified for this variant; No comparable missense variants have previous evidence for pathogenicity; Variant is located in the annotated protein tyrosine and serine/threonine kinase domain (DECIPHER); Gain of function is a known mechanism of disease in this gene and is associated with Loeys-Dietz syndrome 2 (MIM#610168). Additionally, loss of function has also been suggested for particular missense variants (PMIDs: 20301312, 15731757, 32528524, 28679693); Inheritance information for this variant is not currently available in this individual.

Color Diagnostics, LLC DBA Color Health
Classification: Uncertain significance for Familial thoracic aortic aneurysm and aortic dissection. Last evaluated: 2025-06-11. Review status: criteria provided, single submitter. Criteria: ACMG Guidelines, 2015. Collection method: clinical testing. Allele origin: germline.
Comment: This missense variant replaces phenylalanine with leucine at codon 279 of the TGFBR2 protein. Computational prediction suggests that this variant may have a deleterious impact on protein structure and function. To our knowledge, functional studies have not been reported for this variant. This variant has not been reported in individuals affected with TGFBR2-related disorders in the literature. This variant has been identified in 1/250412 chromosomes in the general population by the Genome Aggregation Database (gnomAD). The available evidence is insufficient to determine the role of this variant in disease conclusively. Therefore, this variant is classified as a Variant of Uncertain Significance.

Labcorp Genetics (formerly Invitae), Labcorp
Classification: Uncertain significance for Familial thoracic aortic aneurysm and aortic dissection. Last evaluated: 2024-09-26. Review status: criteria provided, single submitter. Criteria: Invitae Variant Classification Sherloc (09022015). Collection method: clinical testing. Allele origin: germline.
Comment: This sequence change replaces phenylalanine, which is neutral and non-polar, with leucine, which is neutral and non-polar, at codon 279 of the TGFBR2 protein (p.Phe279Leu). This variant is present in population databases (rs746824357, gnomAD 0.0009%). This variant has not been reported in the literature in individuals affected with TGFBR2-related conditions. ClinVar contains an entry for this variant (Variation ID: 979099). Invitae Evidence Modeling of protein sequence and biophysical properties (such as structural, functional, and spatial information, amino acid conservation, physicochemical variation, residue mobility, and thermodynamic stability) has been performed for this missense variant. However, the output from this modeling did not meet the statistical confidence thresholds required to predict the impact of this variant on TGFBR2 protein function. In summary, the available evidence is currently insufficient to determine the role of this variant in disease. Therefore, it has been classified as a Variant of Uncertain Significance.

Human Genome Sequencing Center Clinical Lab, Baylor College of Medicine
Classification: Uncertain significance for Loeys-Dietz syndrome 2. Review status: criteria provided, single submitter. Criteria: ACMG Guidelines, 2015. Collection method: clinical testing. Allele origin: germline.

Literature cited by the submitters: PubMed 20301312 (cited by Victorian Clinical Genetics Services, Murdoch Childrens Research Institute); PubMed 32528524 (cited by Victorian Clinical Genetics Services, Murdoch Childrens Research Institute); PubMed 23506379 (cited by Victorian Clinical Genetics Services, Murdoch Childrens Research Institute); PubMed 15731757 (cited by Victorian Clinical Genetics Services, Murdoch Childrens Research Institute); PubMed 28679693 (cited by Victorian Clinical Genetics Services, Murdoch Childrens Research Institute).

NM_003242.6(TGFBR2):c.835T>C (p.Phe279Leu)

Gene: TGFBR2 (transforming growth factor beta receptor 2; plus strand). Cytogenetic location: 3p24.1.
Variant type: single nucleotide variant.
Coding change: c.835T>C on transcript NM_003242.6 (MANE Select); coding-DNA position 835, T replaced by C.
Protein change: p.Phe279Leu; replaces phenylalanine 279 with leucine.
Molecular consequence: missense variant.
Genome position (GRCh38, 1-based): chr3:30,672,018, T>C. VCF-style: chr3-30672018-T-C. GRCh37 (hg19) VCF-style: chr3-30713510-T-C.
Other names: c.910T>C, p.Phe304Leu (NM_001024847.3); c.1018T>C, p.Phe340Leu (NM_001407126.1); c.943T>C, p.Phe315Leu (NM_001407127.1); c.862T>C, p.Phe288Leu (NM_001407128.1); c.838T>C, p.Phe280Leu (NM_001407129.1); c.835T>C, p.Phe279Leu (NM_001407130.1); c.730T>C, p.Phe244Leu (NM_001407132.1, NM_001407133.1, NM_001407134.1 and 2 more transcripts); c.550T>C, p.Phe184Leu (NM_001407137.1); and 1 more; short protein forms F279L, F304L, F244L, F315L, F184L, F159L, F340L, F280L.
Identifiers: ClinVar variation 979099 (VCV000979099.8), dbSNP rs746824357, ClinGen allele CA049980.